The following is an entry in ClinVar:

ClinVar aggregate classification (germline): Uncertain significance (1 of 4 stars; one submission).

Submission:

GeneDx
Classification: Uncertain significance. Last evaluated: 2025-07-06. Review status: criteria provided, single submitter. Criteria: GeneDx Variant Classification Process June 2021. Collection method: clinical testing. Allele origin: germline. Affected: yes.
Comment: Not observed at significant frequency in large population cohorts (gnomAD); In silico analysis supports that this missense variant has a deleterious effect on protein structure/function; Has not been previously published as pathogenic or benign to our knowledge

NM_012330.4(KAT6B):c.501A>C (p.Lys167Asn)

Gene: KAT6B (lysine acetyltransferase 6B; plus strand). Cytogenetic location: 10q22.2.
Variant type: single nucleotide variant.
Coding change: c.501A>C on transcript NM_012330.4 (MANE Select); coding-DNA position 501, A replaced by C.
Protein change: p.Lys167Asn; replaces lysine 167 with asparagine.
Molecular consequence: missense variant. On other transcripts: 5 prime UTR variant (2).
Genome position (GRCh38, 1-based): chr10:74,843,358, A>C. VCF-style: chr10-74843358-A-C. GRCh37 (hg19) VCF-style: chr10-76603116-A-C.
Other names: c.501A>C, p.Lys167Asn (NM_001256468.2, NM_001256469.2, NM_001370132.1 and 10 more transcripts); c.-38A>C (NM_001370134.1, NM_001370135.1); short protein forms K167N.
Identifiers: ClinVar variation 4685258 (VCV004685258.1).